The following is an entry in ClinVar:

ClinVar aggregate classification (germline): Uncertain significance. Review status: criteria provided, multiple submitters, no conflicts (2 of 4 stars). 3 submissions from 2 submitters: Uncertain significance (3). Last evaluated 2018-01-13.

Conditions:
Autosomal dominant nonsyndromic hearing loss 6 (LFSNHL). Also called: DEAFNESS, AUTOSOMAL DOMINANT 6; DEAFNESS, AUTOSOMAL DOMINANT 14; DEAFNESS, AUTOSOMAL DOMINANT 38; Autosomal dominant nonsyndromic deafness 6; DIDMOAD (Diabetes Insipidus, Diabetes Mellitus, Optic Atrophy, and Deafness). Identifiers: Orphanet 90635, MedGen C1833021, MONDO:0010963, OMIM 600965.
WFS1-Related Spectrum Disorders.
Wolfram syndrome 1 (WFS1). Identifiers: Orphanet 3463, MedGen C4551693, MONDO:0009101, OMIM 222300.

Submissions (3):

Illumina Laboratory Services, Illumina
Classification: Uncertain significance for Autosomal dominant nonsyndromic hearing loss 6. Last evaluated: 2018-01-13. Review status: criteria provided, single submitter. Criteria: ICSL Variant Classification Criteria 13 December 2019. Collection method: clinical testing. Allele origin: germline.

Illumina Laboratory Services, Illumina
Classification: Uncertain significance for WFS1-Related Spectrum Disorders. Last evaluated: 2018-01-13. Review status: criteria provided, single submitter. Criteria: ICSL Variant Classification Criteria 13 December 2019. Collection method: clinical testing. Allele origin: germline.

Clinical Genomics, Uppaluri K&H Personalized Medicine Clinic
Classification: Uncertain significance for Wolfram syndrome 1. Review status: criteria provided, single submitter. Criteria: K & H Uppaluri Personalized Medicine Clinic Variant Classification & Assertion Criteria_Updated V.1. Collection method: research. Allele origin: unknown. Inheritance: Autosomal recessive inheritance.
Comment: Potent mutations in WFS1 gene are associated with Wolfram's syndrome, an autosomal recessive condition, which cause diabetes mellitus, diabetes insipidus, deafness and optic atrophy.However no sufficient evidence is found to ascertain the role of this particular variant rs1730845682 in Wolfram's syndrome yet.

Literature cited by the submitters: PubMed 12955714 (cited by Clinical Genomics, Uppaluri K&H Personalized Medicine Clinic); PubMed 20738327 (cited by Clinical Genomics, Uppaluri K&H Personalized Medicine Clinic); PubMed 33879153 (cited by Clinical Genomics, Uppaluri K&H Personalized Medicine Clinic); PubMed 18060660 (cited by Clinical Genomics, Uppaluri K&H Personalized Medicine Clinic); PubMed 20301750 (cited by Clinical Genomics, Uppaluri K&H Personalized Medicine Clinic); PubMed 17603484 (cited by Clinical Genomics, Uppaluri K&H Personalized Medicine Clinic).

NM_006005.3(WFS1):c.872A>G (p.Tyr291Cys)

Gene: WFS1 (wolframin ER transmembrane glycoprotein; plus strand). Cytogenetic location: 4p16.1.
Variant type: single nucleotide variant.
Coding change: c.872A>G on transcript NM_006005.3 (MANE Select); coding-DNA position 872, A replaced by G.
Protein change: p.Tyr291Cys; replaces tyrosine 291 with cysteine.
Molecular consequence: missense variant.
Genome position (GRCh38, 1-based): chr4:6,300,667, A>G. VCF-style: chr4-6300667-A-G. GRCh37 (hg19) VCF-style: chr4-6302394-A-G.
Other names: c.872A>G, p.Tyr291Cys (NM_001145853.1); short protein forms Y291C.
Identifiers: ClinVar variation 904804 (VCV000904804.5), dbSNP rs1730845682, ClinGen allele CA356173791.